The following is an entry in ClinVar:

NM_000540.3(RYR1):c.2112C>T (p.Asn704=)

Gene: RYR1 (ryanodine receptor 1; plus strand). Cytogenetic location: 19q13.2.
Variant type: single nucleotide variant.
Coding change: c.2112C>T on transcript NM_000540.3 (MANE Select); coding-DNA position 2112, C replaced by T.
Protein change: p.Asn704=; no amino-acid change (asparagine 704 retained).
Molecular consequence: synonymous variant.
Genome position (GRCh38, 1-based): chr19:38,458,237, C>T. VCF-style: chr19-38458237-C-T. GRCh37 (hg19) VCF-style: chr19-38948877-C-T.
Other names: c.2112C>T, p.Asn704= (NM_001042723.2).
Identifiers: ClinVar variation 698295 (VCV000698295.23), dbSNP rs770809214, ClinGen allele CA062846.

ClinVar aggregate classification (germline): Likely benign. Review status: criteria provided, multiple submitters, no conflicts (2 of 4 stars). 3 submissions from 3 submitters: Likely benign (3). Last evaluated 2026-04-01.

Conditions:
RYR1-related disorder. Also called: RYR1-related disorders; RYR1-related condition. Identifiers: MedGen CN239331.
Malignant hyperthermia, susceptibility to, 1 (MHS1). Also called: Anesthesia related hyperthermia; Malignant hyperpyrexia; Fulminating hyperpyrexia; Pharmacogenic myopathy; RYR1-Related Malignant Hyperthermia Susceptibility; Malignant hyperthermia suceptibility 1. Identifiers: Orphanet 423, MedGen C2930980, MONDO:0007783, OMIM 145600.

Allele frequency attached by ClinVar (database versions not stated): ExAC 0.00001; gnomAD exomes 0.00002; gnomAD 0.00003; TOPMed 0.00003.
gnomAD v4.1: 28 of 1,613,894 alleles (0.0017%); highest among the groups gnomAD compares: African/African-American, 0.004%; no homozygotes.

Submissions (3):

CeGaT Center for Human Genetics Tuebingen
Classification: Likely benign. Last evaluated: 2026-04-01. Review status: criteria provided, single submitter. Criteria: CeGaT Center For Human Genetics Tuebingen Variant Classification Criteria Version 2. Collection method: clinical testing. Allele origin: germline. Affected: yes. Observed: 1 variant allele.
Comment: RYR1: BP4, BP7

Labcorp Genetics (formerly Invitae), Labcorp
Classification: Likely benign for RYR1-related disorder. Last evaluated: 2025-03-01. Review status: criteria provided, single submitter. Criteria: Invitae Variant Classification Sherloc (09022015). Collection method: clinical testing. Allele origin: germline.

Color Diagnostics, LLC DBA Color Health
Classification: Likely benign for Malignant hyperthermia, susceptibility to, 1. Last evaluated: 2023-06-21. Review status: criteria provided, single submitter. Criteria: ACMG Guidelines, 2015. Collection method: clinical testing. Allele origin: germline.